The following is an entry in ClinVar:

NM_170707.4(LMNA):c.991_992del (p.Arg331fs)

Gene: LMNA (lamin A/C; plus strand). Cytogenetic location: 1q22.
Variant type: Deletion.
Coding change: c.991_992del on transcript NM_170707.4 (MANE Select); coding-DNA positions 991 to 992, 2 bases deleted (CG; older notation c.991_992delCG).
Protein change: p.Arg331fs; shifts the reading frame from arginine 331.
Molecular consequence: frameshift variant.
Genome position (GRCh38, 1-based): chr1:156,135,955-156,135,956, CG deleted; deleting any 2 consecutive bases within chr1:156,135,954-156,135,956 gives the same sequence; the c. name uses the placement nearest the transcript's 3' end. VCF-style (leftmost placement, unchanged base first): chr1-156135953-AGC-A. GRCh37 (hg19) VCF-style: chr1-156105744-AGC-A.
Other names: c.655_656del, p.Arg219fs (NM_001257374.3); c.748_749del, p.Arg250fs (NM_001282624.2); c.991_992del, p.Arg331fs (NM_001282625.2, NM_001282626.2, NM_005572.4 and 1 more transcripts); c.991_992del (NM_170707.3); short protein forms R219fs, R250fs, R331fs.
Identifiers: ClinVar variation 543224 (VCV000543224.8), dbSNP rs1553265647, ClinGen allele CA658795533.

ClinVar aggregate classification (germline): Pathogenic/Likely pathogenic. Review status: criteria provided, multiple submitters, no conflicts (2 of 4 stars). 2 submissions from 2 submitters: Pathogenic (1); Likely pathogenic (1). Last evaluated 2017-11-30.

Conditions:
Cardiomyopathy (CMYO). Also called: Cardiomyopathies. Identifiers: Orphanet 167848, MedGen C0878544, MONDO:0004994, HP:0001638. Inheritance: Various modes of inheritance.
Charcot-Marie-Tooth disease type 2. Also called: Charcot-Marie-Tooth type 2. Identifiers: Orphanet 64746, MedGen C0270914, MONDO:0018993.

Submissions (2):

Labcorp Genetics (formerly Invitae), Labcorp
Classification: Pathogenic for Charcot-Marie-Tooth disease type 2. Last evaluated: 2017-11-30. Review status: criteria provided, single submitter. Criteria: Invitae Variant Classification Sherloc (09022015). Collection method: clinical testing. Allele origin: germline.
Comment: This variant has not been reported in the literature in individuals with LMNA-related disease. This variant is not present in population databases (ExAC no frequency). This sequence change creates a premature translational stop signal (p.Arg331Glyfs*94) in the LMNA gene. It is expected to result in an absent or disrupted protein product. Loss-of-function variants in LMNA are known to be pathogenic (PMID: 18585512, 18926329). For these reasons, this variant has been classified as Pathogenic.

CHEO Genetics Diagnostic Laboratory, Children's Hospital of Eastern Ontario
Classification: Likely pathogenic for Cardiomyopathy. Last evaluated: 2017-11-28. Review status: criteria provided, single submitter. Criteria: ACMG Guidelines, 2015. Collection method: clinical testing. Allele origin: germline.

Literature cited by the submitters: PubMed 18585512 (cited by Labcorp Genetics (formerly Invitae), Labcorp); PubMed 18926329 (cited by Labcorp Genetics (formerly Invitae), Labcorp).